The following is an entry in ClinVar:

NM_001040142.2(SCN2A):c.562C>T (p.Arg188Trp)

Gene: SCN2A (sodium voltage-gated channel alpha subunit 2; plus strand). Cytogenetic location: 2q24.3.
Variant type: single nucleotide variant.
Coding change: c.562C>T on transcript NM_001040142.2 (MANE Select); coding-DNA position 562, C replaced by T.
Protein change: p.Arg188Trp; replaces arginine 188 with tryptophan.
Molecular consequence: missense variant.
Genome position (GRCh38, 1-based): chr2:165,308,751, C>T. VCF-style: chr2-165308751-C-T. GRCh37 (hg19) VCF-style: chr2-166165261-C-T.
Other names: c.562C>T, p.Arg188Trp (NM_001040143.2, NM_001371246.1, NM_001371247.1 and 1 more transcripts); short protein forms R188W.
Identifiers: ClinVar variation 12875 (VCV000012875.18), dbSNP rs121917748, ClinGen allele CA122767.

ClinVar aggregate classification (germline): Uncertain significance. Review status: criteria provided, multiple submitters, no conflicts (2 of 4 stars). 5 submissions from 5 submitters: Uncertain significance (4). 1 of the submissions does not count toward it. Last evaluated 2024-05-23.

Conditions:
Inborn genetic diseases. Identifiers: MedGen C0950123, MeSH D030342.
Seizures, benign familial infantile, 3 (BFIS3). Also called: Familial neonatal seizures; CONVULSIONS, BENIGN FAMILIAL INFANTILE, 3. Identifiers: Orphanet 140927, Orphanet 306, MedGen C1843140, MONDO:0011904, OMIM 607745.
Developmental and epileptic encephalopathy, 11 (DEE11). Also called: Early infantile epileptic encephalopathy 11. Identifiers: Orphanet 1934, MedGen C3150987, MONDO:0013388, OMIM 613721.

Allele frequency attached by ClinVar (database versions not stated): ExAC 0.00002; gnomAD exomes 0.00002 and 0.00003.
gnomAD v4.1: 47 of 1,612,666 alleles (0.0029%); highest among the groups gnomAD compares: Non-Finnish European, 0.0038%; no homozygotes.

Submissions (6):

GeneDx
Classification: Uncertain significance. Last evaluated: 2024-05-23. Review status: criteria provided, single submitter. Criteria: GeneDx Variant Classification Process June 2021. Collection method: clinical testing. Allele origin: germline.
Comment: Functional studies demonstrate prolonged open state of the R187W mutant channel which may result in neuronal hyperexcitability, however additional studies are needed to validate the functional effect of this variant in vivo (PMID: 11371648); In silico analysis supports that this missense variant has a deleterious effect on protein structure/function; This substitution is predicted to be within the intracellular loop between the S2 and S3 transmembrane segments of the first homologous domain; Also known as c.562C>T p.(Arg187Trp); This variant is associated with the following publications: (PMID: 28191889, 15048894, 15301839, 33004838, 11371648)

Labcorp Genetics (formerly Invitae), Labcorp
Classification: Uncertain significance for Seizures, benign familial infantile, 3; Developmental and epileptic encephalopathy, 11. Last evaluated: 2022-09-07. Review status: criteria provided, single submitter. Criteria: Invitae Variant Classification Sherloc (09022015). Collection method: clinical testing. Allele origin: germline.
Comment: This sequence change replaces arginine, which is basic and polar, with tryptophan, which is neutral and slightly polar, at codon 188 of the SCN2A protein (p.Arg188Trp). This missense change has been observed in individual(s) with febrile seizures associated with afebrile seizures (PMID: 11371648, 15301839). In summary, the available evidence is currently insufficient to determine the role of this variant in disease. Therefore, it has been classified as a Variant of Uncertain Significance. Experimental studies have shown that this missense change affects SCN2A function (PMID: 11371648). Algorithms developed to predict the effect of missense changes on protein structure and function are either unavailable or do not agree on the potential impact of this missense change (SIFT: "Deleterious"; PolyPhen-2: "Probably Damaging"; Align-GVGD: "Class C0"). ClinVar contains an entry for this variant (Variation ID: 12875). The frequency data for this variant in the population databases is considered unreliable, as metrics indicate poor data quality at this position in the gnomAD database.

Blueprint Genetics
Classification: Uncertain significance. Last evaluated: 2022-02-07. Review status: criteria provided, single submitter. Criteria: ACMG Guidelines, 2015. Collection method: clinical testing. Allele origin: germline.

Ambry Genetics
Classification: Uncertain significance for Inborn genetic diseases. Last evaluated: 2021-08-03. Review status: criteria provided, single submitter. Criteria: Ambry Variant Classification Scheme 2023. Collection method: clinical testing. Allele origin: germline.

OMIM
Classification: Pathogenic for SEIZURES, BENIGN FAMILIAL INFANTILE, 3. Last evaluated: 2004-04-01. Review status: no assertion criteria provided. Collection method: literature only. Allele origin: germline. Not counted in ClinVar's aggregate classification.

Channelopathy-Associated Epilepsy Research Center
No classification provided (evidence only). Condition: Complex neurodevelopmental disorder. Review status: no classification provided. Collection method: literature only. Allele origin: not applicable. Functional consequence: Normal rate of recovery from fast inactivation, Normal peak current, Slowing of fast inactivation, Moderate hyperpolarizing shift of voltage dependence of fast inactivation, Decrease in slope of fast inactivation, Overall gain-of-function. Not counted in ClinVar's aggregate classification.
ClinVar note: "not provided" was previously submitted as the classification for the variant. However, the classification appeared to be based only on an observation of functional data so it was converted to no classification on 2025-07-30.

Literature cited by the submitters: PubMed 11371648 (cited by 3 submitters); PubMed 15301839 (cited by Labcorp Genetics (formerly Invitae), Labcorp); PubMed 15048894 (cited by OMIM).